The following is an entry in ClinVar:

ClinVar aggregate classification (germline): Uncertain significance (1 of 4 stars; one submission).

Conditions:
Hereditary nonpolyposis colorectal neoplasms. Identifiers: MedGen C0009405, MeSH D003123.

Submission:

Labcorp Genetics (formerly Invitae), Labcorp
Classification: Uncertain significance for Hereditary nonpolyposis colorectal neoplasms. Last evaluated: 2024-01-04. Review status: criteria provided, single submitter. Criteria: Invitae Variant Classification Sherloc (09022015). Collection method: clinical testing. Allele origin: germline.
Comment: This sequence change replaces alanine, which is neutral and non-polar, with proline, which is neutral and non-polar, at codon 49 of the MSH6 protein (p.Ala49Pro). This variant is not present in population databases (gnomAD no frequency). This variant has not been reported in the literature in individuals affected with MSH6-related conditions. ClinVar contains an entry for this variant (Variation ID: 1036407). Advanced modeling of protein sequence and biophysical properties (such as structural, functional, and spatial information, amino acid conservation, physicochemical variation, residue mobility, and thermodynamic stability) performed at Invitae indicates that this missense variant is not expected to disrupt MSH6 protein function with a negative predictive value of 95%. In summary, the available evidence is currently insufficient to determine the role of this variant in disease. Therefore, it has been classified as a Variant of Uncertain Significance.

NM_000179.3(MSH6):c.145G>C (p.Ala49Pro)

Gene: MSH6 (mutS homolog 6; plus strand). Cytogenetic location: 2p16.3.
Variant type: single nucleotide variant.
Coding change: c.145G>C on transcript NM_000179.3 (MANE Select); coding-DNA position 145, G replaced by C.
Protein change: p.Ala49Pro; replaces alanine 49 with proline.
Molecular consequence: missense variant. On other transcripts: 5 prime UTR variant (1).
Genome position (GRCh38, 1-based): chr2:47,783,378, G>C. VCF-style: chr2-47783378-G-C. GRCh37 (hg19) VCF-style: chr2-48010517-G-C.
Other names: c.145G>C, p.Ala49Pro (NM_001281492.2); c.-592G>C (NM_001281493.2); short protein forms A49P.
Identifiers: ClinVar variation 1036407 (VCV001036407.10), dbSNP rs745642001, ClinGen allele CA346734928.